The following is an entry in ClinVar:

ClinVar aggregate classification (germline): Uncertain significance (1 of 4 stars; one submission).

Conditions:
Myofibrillar myopathy 6. Identifiers: Orphanet 199340, MedGen C2751831, MONDO:0013061, OMIM 612954.
Dilated cardiomyopathy 1HH (CMD1HH). Identifiers: Orphanet 154, MedGen C3151293, MONDO:0013479, OMIM 613881.

Allele frequency attached by ClinVar (database versions not stated): gnomAD exomes below 0.00001; gnomAD 0.00001.
gnomAD v4.1: 2 of 1,614,076 alleles (0.00012%); highest among the groups gnomAD compares: African/African-American, 0.0013%; no homozygotes.

Submission:

Labcorp Genetics (formerly Invitae), Labcorp
Classification: Uncertain significance for Dilated cardiomyopathy 1HH; Myofibrillar myopathy 6. Last evaluated: 2018-12-25. Review status: criteria provided, single submitter. Criteria: Invitae Variant Classification Sherloc (09022015). Collection method: clinical testing. Allele origin: germline.
Comment: This sequence change replaces glutamine with arginine at codon 237 of the BAG3 protein (p.Gln237Arg). The glutamine residue is moderately conserved and there is a small physicochemical difference between glutamine and arginine. This variant is not present in population databases (ExAC no frequency). This variant has not been reported in the literature in individuals with BAG3-related conditions. Algorithms developed to predict the effect of missense changes on protein structure and function are either unavailable or do not agree on the potential impact of this missense change (SIFT: "Tolerated"; PolyPhen-2: "Possibly Damaging"; Align-GVGD: "Class C0"). In summary, the available evidence is currently insufficient to determine the role of this variant in disease. Therefore, it has been classified as a Variant of Uncertain Significance.

NM_004281.4(BAG3):c.710A>G (p.Gln237Arg)

Gene: BAG3 (BAG cochaperone 3; plus strand). Cytogenetic location: 10q26.11.
Variant type: single nucleotide variant.
Coding change: c.710A>G on transcript NM_004281.4 (MANE Select); coding-DNA position 710, A replaced by G.
Protein change: p.Gln237Arg; replaces glutamine 237 with arginine.
Molecular consequence: missense variant.
Genome position (GRCh38, 1-based): chr10:119,672,457, A>G. VCF-style: chr10-119672457-A-G. GRCh37 (hg19) VCF-style: chr10-121431969-A-G.
Other names: short protein forms Q237R.
Identifiers: ClinVar variation 654821 (VCV000654821.8), dbSNP rs1589630230, ClinGen allele CA378295637.